The following is an entry in ClinVar:

ClinVar aggregate classification (germline): Likely benign (1 of 4 stars; one submission).

Submission:

CeGaT Center for Human Genetics Tuebingen
Classification: Likely benign. Last evaluated: 2023-08-01. Review status: criteria provided, single submitter. Criteria: CeGaT Center For Human Genetics Tuebingen Variant Classification Criteria Version 2. Collection method: clinical testing. Allele origin: germline. Affected: yes. Observed: 2 variant alleles.
Comment: AGAP3: BP4, BP7

NM_031946.7(AGAP3):c.78C>A (p.Ala26=)

Gene: AGAP3 (ArfGAP with GTPase domain, ankyrin repeat and PH domain 3; plus strand). Cytogenetic location: 7q36.1.
Variant type: single nucleotide variant.
Coding change: c.78C>A on transcript NM_031946.7 (MANE Select); coding-DNA position 78, C replaced by A.
Protein change: p.Ala26=; no amino-acid change (alanine 26 retained).
Molecular consequence: synonymous variant. On other transcripts: 5 prime UTR variant (1), intron variant (2).
Genome position (GRCh38, 1-based): chr7:151,086,819, C>A. VCF-style: chr7-151086819-C-A. GRCh37 (hg19) VCF-style: chr7-150783906-C-A.
Other names: c.78C>A, p.Ala26= (NM_001042535.4, NM_001308304.2, NM_001350102.2); c.-1187C>A (NM_001350103.2); c.-934+759C>A (NM_001350104.2); c.-354+810C>A (NM_001281300.2).
Identifiers: ClinVar variation 2658180 (VCV002658180.24), dbSNP rs572361798, ClinGen allele CA458648827.